The following is an entry in ClinVar:

NM_002181.4(IHH):c.1088C>T (p.Pro363Leu)

Gene: IHH (Indian hedgehog signaling molecule; minus strand). Cytogenetic location: 2q35.
Variant type: single nucleotide variant.
Coding change: c.1088C>T on transcript NM_002181.4 (MANE Select); coding-DNA position 1088, C replaced by T.
Protein change: p.Pro363Leu; replaces proline 363 with leucine.
Molecular consequence: missense variant.
Genome position (GRCh38, 1-based): chr2:219,055,355, G>A on the plus strand (C>T on the coding strand, the complement: IHH is on the minus strand). VCF-style: chr2-219055355-G-A. GRCh37 (hg19) VCF-style: chr2-219920077-G-A.
Other names: short protein forms P363L.
Identifiers: ClinVar variation 3382985 (VCV003382985.2).

ClinVar aggregate classification (germline): Uncertain significance (1 of 4 stars; one submission).

Conditions:
Brachydactyly type A1. Also called: FARABEE-TYPE BRACHYDACTYLY; SHORT STATURE WITH NONSPECIFIC SKELETAL ABNORMALITIES 2. Identifiers: Orphanet 93388, MedGen C1862151, MONDO:0007215, OMIM 112500, HP:0009371.
Acrocapitofemoral dysplasia (ACFD). Identifiers: Orphanet 63446, MedGen C1843096, MONDO:0011907, OMIM 607778.

Submission:

Juno Genomics, Hangzhou Juno Genomics, Inc
Classification: Uncertain significance for Brachydactyly type A1; Acrocapitofemoral dysplasia. Review status: criteria provided, single submitter. Criteria: ACMG Guidelines, 2015. Collection method: clinical testing. Allele origin: germline. Affected: yes.
Comment: Absent from controls (or at extremely low frequency if recessive) in Genome Aggregation Database, Exome Sequencing Project, 1000 Genomes Project, or Exome Aggregation Consortium.;Multiple lines of computational evidence support a deleterious effect on the gene or gene product (conservation, evolutionary, splicing impact, etc).